The following is an entry in ClinVar:

ClinVar aggregate classification (germline): Uncertain significance (1 of 4 stars; one submission).

Conditions:
Epileptic encephalopathy. Identifiers: MedGen C0543888, HP:0200134.

Submission:

Labcorp Genetics (formerly Invitae), Labcorp
Classification: Uncertain significance for Epileptic encephalopathy. Last evaluated: 2021-04-16. Review status: criteria provided, single submitter. Criteria: Invitae Variant Classification Sherloc (09022015). Collection method: clinical testing. Allele origin: germline.
Comment: In summary, the available evidence is currently insufficient to determine the role of this variant in disease. Therefore, it has been classified as a Variant of Uncertain Significance. Algorithms developed to predict the effect of missense changes on protein structure and function are either unavailable or do not agree on the potential impact of this missense change (SIFT: "Deleterious"; PolyPhen-2: "Probably Damaging"; Align-GVGD: "Class C0"). This variant has not been reported in the literature in individuals with FASN-related conditions. This variant is not present in population databases (ExAC no frequency). This sequence change replaces methionine with valine at codon 1782 of the FASN protein (p.Met1782Val). The methionine residue is highly conserved and there is a small physicochemical difference between methionine and valine.

NM_004104.5(FASN):c.5344A>G (p.Met1782Val)

Gene: FASN (fatty acid synthase; minus strand). Cytogenetic location: 17q25.3.
Variant type: single nucleotide variant.
Coding change: c.5344A>G on transcript NM_004104.5 (MANE Select); coding-DNA position 5344, A replaced by G.
Protein change: p.Met1782Val; replaces methionine 1782 with valine.
Molecular consequence: missense variant.
Genome position (GRCh38, 1-based): chr17:82,083,423, T>C on the plus strand (A>G on the coding strand, the complement: FASN is on the minus strand). VCF-style: chr17-82083423-T-C. GRCh37 (hg19) VCF-style: chr17-80041299-T-C.
Other names: short protein forms M1782V.
Identifiers: ClinVar variation 1373132 (VCV001373132.8), dbSNP rs1243053165, ClinGen allele CA401538976.